The following is an entry in ClinVar:

ClinVar aggregate classification (germline): Uncertain significance (1 of 4 stars; one submission).

Conditions:
Renal cell carcinoma. Identifiers: Orphanet 217071, MedGen C0007134, MeSH D002292, MONDO:0005086, HP:0005584.

Submission:

Labcorp Genetics (formerly Invitae), Labcorp
Classification: Uncertain significance for Renal cell carcinoma. Last evaluated: 2025-03-19. Review status: criteria provided, single submitter. Criteria: Invitae Variant Classification Sherloc (09022015). Collection method: clinical testing. Allele origin: germline.
Comment: This sequence change replaces serine, which is neutral and polar, with tyrosine, which is neutral and polar, at codon 233 of the MET protein (p.Ser233Tyr). This variant is not present in population databases (gnomAD no frequency). This variant has not been reported in the literature in individuals affected with MET-related conditions. An algorithm developed to predict the effect of missense changes on protein structure and function (PolyPhen-2) suggests that this variant is likely to be disruptive. In summary, the available evidence is currently insufficient to determine the role of this variant in disease. Therefore, it has been classified as a Variant of Uncertain Significance.

NM_000245.4(MET):c.698C>A (p.Ser233Tyr)

Gene: MET (MET proto-oncogene, receptor tyrosine kinase; plus strand). Cytogenetic location: 7q31.2.
Variant type: single nucleotide variant.
Coding change: c.698C>A on transcript NM_000245.4 (MANE Select); coding-DNA position 698, C replaced by A.
Protein change: p.Ser233Tyr; replaces serine 233 with tyrosine.
Molecular consequence: missense variant. On other transcripts: intron variant (1).
Genome position (GRCh38, 1-based): chr7:116,699,782, C>A. VCF-style: chr7-116699782-C-A. GRCh37 (hg19) VCF-style: chr7-116339836-C-A.
Other names: c.698C>A, p.Ser233Tyr (NM_001127500.3, NM_001324401.3); c.-91+27205C>A (NM_001324402.2); short protein forms S233Y.
Identifiers: ClinVar variation 4715522 (VCV004715522.1).
Genomic context (GRCh38, chr7:116,699,782, plus strand): 5'-CGATATCAGTGAGAAGGCTAAAGGAAACGAAAGATGGTTTTATGTTTTTGACGGACCAGT[C>A]CTACATTGATGTTTTACCTGAGTTCAGAGATTCTTACCCCATTAAGTATGTCCATGCCTT-3'
Protein context (NP_000236.2, residues 223-243): KDGFMFLTDQ[Ser233Tyr]YIDVLPEFRD